The following is an entry in ClinVar:

ClinVar aggregate classification (germline): Uncertain significance. Review status: criteria provided, multiple submitters, no conflicts (2 of 4 stars). 2 submissions from 2 submitters: Uncertain significance (2). Last evaluated 2025-12-07.

Conditions:
POLD1-related polyposis and colorectal cancer syndrome (CRCS10). Also called: Colorectal cancer 10; COLORECTAL CANCER, SUSCEPTIBILITY TO, ON CHROMOSOME 19q; Colorectal cancer, susceptibility to, 10. Identifiers: Orphanet 220460, MedGen C2675481, MONDO:0012953, OMIM 612591.
Hereditary cancer-predisposing syndrome. Also called: Neoplastic Syndromes, Hereditary; Tumor predisposition; Hereditary Cancer Syndrome; Hereditary neoplastic syndrome. Identifiers: Orphanet 140162, MedGen C0027672, MeSH D009386, MONDO:0015356.

Allele frequency attached by ClinVar (database versions not stated): gnomAD exomes below 0.00001.

Submissions (2):

Ambry Genetics
Classification: Uncertain significance for Hereditary cancer-predisposing syndrome. Last evaluated: 2025-12-07. Review status: criteria provided, single submitter. Criteria: Ambry Variant Classification Scheme 2023. Collection method: clinical testing. Allele origin: germline.
Comment: The p.I1013V variant (also known as c.3037A>G), located in coding exon 23 of the POLD1 gene, results from an A to G substitution at nucleotide position 3037. The isoleucine at codon 1013 is replaced by valine, an amino acid with highly similar properties. This amino acid position is conserved. In addition, this alteration is predicted to be tolerated by in silico analysis. Since supporting evidence is limited at this time, the clinical significance of this alteration remains unclear.

Labcorp Genetics (formerly Invitae), Labcorp
Classification: Uncertain significance for POLD1-related polyposis and colorectal cancer syndrome. Last evaluated: 2023-11-16. Review status: criteria provided, single submitter. Criteria: Invitae Variant Classification Sherloc (09022015). Collection method: clinical testing. Allele origin: germline.
Comment: This sequence change replaces isoleucine, which is neutral and non-polar, with valine, which is neutral and non-polar, at codon 1013 of the POLD1 protein (p.Ile1013Val). This variant is not present in population databases (gnomAD no frequency). This variant has not been reported in the literature in individuals affected with POLD1-related conditions. ClinVar contains an entry for this variant (Variation ID: 1520355). Advanced modeling of protein sequence and biophysical properties (such as structural, functional, and spatial information, amino acid conservation, physicochemical variation, residue mobility, and thermodynamic stability) performed at Invitae indicates that this missense variant is not expected to disrupt POLD1 protein function with a negative predictive value of 80%. In summary, the available evidence is currently insufficient to determine the role of this variant in disease. Therefore, it has been classified as a Variant of Uncertain Significance.

NM_002691.4(POLD1):c.3037A>G (p.Ile1013Val)

Gene: POLD1 (DNA polymerase delta 1, catalytic subunit; plus strand). Cytogenetic location: 19q13.33.
Variant type: single nucleotide variant.
Coding change: c.3037A>G on transcript NM_002691.4 (MANE Select); coding-DNA position 3037, A replaced by G.
Protein change: p.Ile1013Val; replaces isoleucine 1013 with valine.
Molecular consequence: missense variant. On other transcripts: non-coding transcript variant (1).
Genome position (GRCh38, 1-based): chr19:50,416,693, A>G. VCF-style: chr19-50416693-A-G. GRCh37 (hg19) VCF-style: chr19-50919950-A-G.
Other names: c.3037A>G, p.Ile1013Val (NM_001256849.1); c.3115A>G, p.Ile1039Val (NM_001308632.1); short protein forms I1013V, I1039V.
Identifiers: ClinVar variation 1520355 (VCV001520355.11), dbSNP rs2122497746, ClinGen allele CA406986971.
Genomic context (GRCh38, chr19:50,416,693, plus strand): 5'-ACGGTGCTCACGGGCAAGGTGGGCGGCCTCCTGGCCTTCGCCAAACGCCGCAACTGCTGC[A>G]TTGGCTGCCGCACAGTGCTCAGCCACCAGGGTGAGCGGCCCTGGCCACTGGGCCCCCACT-3'
Protein context (NP_002682.2, residues 1003-1023): LAFAKRRNCC[Ile1013Val]GCRTVLSHQG